The following is an entry in ClinVar:

NM_033100.4(CDHR1):c.183C>T (p.Asp61=)

Gene: CDHR1 (cadherin related family member 1; plus strand). Cytogenetic location: 10q23.1.
Variant type: single nucleotide variant.
Coding change: c.183C>T on transcript NM_033100.4 (MANE Select); coding-DNA position 183, C replaced by T.
Protein change: p.Asp61=; no amino-acid change (aspartic acid 61 retained).
Molecular consequence: synonymous variant.
Genome position (GRCh38, 1-based): chr10:84,196,536, C>T. VCF-style: chr10-84196536-C-T. GRCh37 (hg19) VCF-style: chr10-85956292-C-T.
Other names: c.183C>T, p.Asp61= (NM_001171971.3).
Identifiers: ClinVar variation 745980 (VCV000745980.12), dbSNP rs141545088, ClinGen allele CA5579458.

ClinVar aggregate classification (germline): Likely benign. Review status: criteria provided, multiple submitters, no conflicts (2 of 4 stars). 3 submissions from 3 submitters: Likely benign (3). Last evaluated 2025-02-05.

Conditions:
CDHR1-related disorder. Also called: CDHR1-related condition.

Allele frequency attached by ClinVar (database versions not stated): TOPMed 0.00018; gnomAD 0.00021 and 0.00024; ESP Exome Variant Server 0.00031; ExAC 0.00006.

Submissions (3):

PreventionGenetics, part of Exact Sciences
Classification: Likely benign for CDHR1-related condition. Last evaluated: 2025-02-05. Review status: criteria provided, single submitter. Criteria: ACMG Guidelines, 2015. Collection method: clinical testing. Allele origin: germline.
Comment: This variant is classified as likely benign based on ACMG/AMP sequence variant interpretation guidelines (Richards et al. 2015 PMID: 25741868, with internal and published modifications).

Labcorp Genetics (formerly Invitae), Labcorp
Classification: Likely benign. Last evaluated: 2024-06-02. Review status: criteria provided, single submitter. Criteria: Invitae Variant Classification Sherloc (09022015). Collection method: clinical testing. Allele origin: germline.

Blueprint Genetics
Classification: Likely benign. Last evaluated: 2022-11-09. Review status: criteria provided, single submitter. Criteria: ACMG Guidelines, 2015. Collection method: clinical testing. Allele origin: germline.